The following is an entry in ClinVar:

NM_025114.4(CEP290):c.34A>T (p.Lys12Ter)

Gene: CEP290 (centrosomal protein 290; minus strand). Cytogenetic location: 12q21.32.
Variant type: single nucleotide variant.
Coding change: c.34A>T on transcript NM_025114.4 (MANE Select); coding-DNA position 34, A replaced by T.
Protein change: p.Lys12Ter; replaces lysine 12 with a stop codon.
Molecular consequence: nonsense.
Genome position (GRCh38, 1-based): chr12:88,141,274, T>A on the plus strand (A>T on the coding strand, the complement: CEP290 is on the minus strand). VCF-style: chr12-88141274-T-A. GRCh37 (hg19) VCF-style: chr12-88535051-T-A.
Other names: short protein forms K12*.
Identifiers: ClinVar variation 4816208 (VCV004816208.3).

ClinVar aggregate classification (germline): Likely pathogenic. Review status: criteria provided, multiple submitters, no conflicts (2 of 4 stars). 2 submissions from 2 submitters: Likely pathogenic (2). Last evaluated 2025-10-25.

Conditions:
Leber congenital amaurosis 10 (LCA10). Identifiers: Orphanet 65, MedGen C1857821, MONDO:0012723, OMIM 611755.
Joubert syndrome 5 (JBTS5). Identifiers: Orphanet 2318, MedGen C1857780, MONDO:0012432, OMIM 610188.
Senior-Loken syndrome 6 (SLSN6). Identifiers: Orphanet 3156, MedGen C1857779, MONDO:0012433, OMIM 610189.
Meckel syndrome, type 4 (MKS4). Also called: MECKEL-GRUBER SYNDROME, TYPE 4. Identifiers: Orphanet 564, MedGen C1970161, MONDO:0012626, OMIM 611134.
Bardet-Biedl syndrome 14 (BBS14). Identifiers: Orphanet 110, MedGen C2673874, MONDO:0014442, OMIM 615991.
Leber congenital amaurosis (LCA). Also called: Leber's amaurosis. Identifiers: Orphanet 65, MedGen C0339527, MeSH D057130, MONDO:0018998.

Submissions (2):

Natera, Inc.
Classification: Likely pathogenic for Leber congenital amaurosis. Last evaluated: 2025-10-25. Review status: criteria provided, single submitter. Criteria: Natera Variant Classification Schema (03/2026). Collection method: clinical testing. Allele origin: germline.
Comment: The c.34A>T variant in CEP290 is a nonsense variant predicted to introduce a stop codon at amino acid 12. This variant is expected to result in nonsense mediated decay, truncation, or a dysfunctional protein product. This variant is rare in the general population with a frequency below the threshold expected for the associated phenotype(s). Given the available evidence, this variant is classified as Likely Pathogenic.

Juno Genomics, Hangzhou Juno Genomics, Inc
Classification: Likely pathogenic for Bardet-Biedl syndrome 14; Joubert syndrome 5; Leber congenital amaurosis 10; Meckel syndrome, type 4; Senior-Loken syndrome 6. Review status: criteria provided, single submitter. Criteria: ACMG Guidelines, 2015. Collection method: clinical testing. Allele origin: germline.
Comment: Absent from controls (or at extremely low frequency if recessive) in Genome Aggregation Database.;Null variant in a gene where loss of function (LOF) is a known mechanism of disease.